The following is an entry in ClinVar:

NM_001457.4(FLNB):c.2332A>G (p.Ser778Gly)

Gene: FLNB (filamin B; plus strand). Cytogenetic location: 3p14.3.
Variant type: single nucleotide variant.
Coding change: c.2332A>G on transcript NM_001457.4 (MANE Select); coding-DNA position 2332, A replaced by G.
Protein change: p.Ser778Gly; replaces serine 778 with glycine.
Molecular consequence: missense variant.
Genome position (GRCh38, 1-based): chr3:58,110,018, A>G. VCF-style: chr3-58110018-A-G. GRCh37 (hg19) VCF-style: chr3-58095745-A-G.
Other names: c.2332A>G, p.Ser778Gly (NM_001164317.2, NM_001164318.2, NM_001164319.2); short protein forms S778G.
Identifiers: ClinVar variation 523615 (VCV000523615.3), dbSNP rs1553698619, ClinGen allele CA353343971.

ClinVar aggregate classification (germline): Uncertain significance (1 of 4 stars; one submission).

Conditions:
Severe postnatal growth retardation. Identifiers: MedGen C1857641, HP:0008850.
Synostosis involving bones of the lower limbs. Identifiers: MedGen C4024577, HP:0009138.

Submission:

Center of Genomic medicine, Geneva, University Hospital of Geneva
Classification: Uncertain significance for Synostosis involving bones of the lower limbs; Severe postnatal growth retardation. Last evaluated: 2017-11-07. Review status: criteria provided, single submitter. Criteria: ACMG Guidelines, 2015. Collection method: clinical testing. Allele origin: germline. Affected: yes.